The following is an entry in ClinVar:

NM_001042492.3(NF1):c.3925A>G (p.Ile1309Val)

Gene: NF1 (neurofibromin 1; plus strand). Cytogenetic location: 17q11.2.
Variant type: single nucleotide variant.
Coding change: c.3925A>G on transcript NM_001042492.3 (MANE Select); coding-DNA position 3925, A replaced by G.
Protein change: p.Ile1309Val; replaces isoleucine 1309 with valine.
Molecular consequence: missense variant.
Genome position (GRCh38, 1-based): chr17:31,235,972, A>G. VCF-style: chr17-31235972-A-G. GRCh37 (hg19) VCF-style: chr17-29562990-A-G.
Other names: c.3925A>G, p.Ile1309Val (NM_000267.4); short protein forms I1309V.
Identifiers: ClinVar variation 824389 (VCV000824389.12), dbSNP rs1350012235, ClinGen allele CA398993171.

ClinVar aggregate classification (germline): Uncertain significance. Review status: criteria provided, multiple submitters, no conflicts (2 of 4 stars). 3 submissions from 3 submitters: Uncertain significance (3). Last evaluated 2025-10-16.

Conditions:
Neurofibromatosis, type 1 (NF1). Also called: Neurofibromatosis, type I; Peripheral type neurofibromatosis; VON RECKLINGHAUSEN DISEASE; NEUROFIBROMATOSIS, TYPE I, SOMATIC. Identifiers: Orphanet 636, MedGen C0027831, MONDO:0018975, OMIM 162200. Disease mechanism: loss of function.
Hereditary cancer-predisposing syndrome. Also called: Neoplastic Syndromes, Hereditary; Hereditary Cancer Syndrome; Hereditary neoplastic syndrome; Tumor predisposition. Identifiers: Orphanet 140162, MedGen C0027672, MeSH D009386, MONDO:0015356.
Cardiovascular phenotype. Identifiers: MedGen CN230736.

Allele frequency attached by ClinVar (database versions not stated): gnomAD exomes below 0.00001.
gnomAD v4.1: 1 of 1,613,992 alleles (0.000062%); highest among the groups gnomAD compares: Non-Finnish European, 0.000085%; no homozygotes.

Submissions (3):

Ambry Genetics
Classification: Uncertain significance for Cardiovascular phenotype; Hereditary cancer-predisposing syndrome. Last evaluated: 2025-10-16. Review status: criteria provided, single submitter. Criteria: Ambry Variant Classification Scheme 2023. Collection method: clinical testing. Allele origin: germline.
Comment: The p.I1309V variant (also known as c.3925A>G), located in coding exon 29 of the NF1 gene, results from an A to G substitution at nucleotide position 3925. The isoleucine at codon 1309 is replaced by valine, an amino acid with highly similar properties. This amino acid position is highly conserved in available vertebrate species. In addition, the in silico prediction for this alteration is inconclusive. Based on the available evidence, the clinical significance of this variant remains unclear.

Labcorp Genetics (formerly Invitae), Labcorp
Classification: Uncertain significance for Neurofibromatosis, type 1. Last evaluated: 2025-01-06. Review status: criteria provided, single submitter. Criteria: Invitae Variant Classification Sherloc (09022015). Collection method: clinical testing. Allele origin: germline.
Comment: This sequence change replaces isoleucine, which is neutral and non-polar, with valine, which is neutral and non-polar, at codon 1309 of the NF1 protein (p.Ile1309Val). This variant is present in population databases (no rsID available, gnomAD 0.0009%). This variant has not been reported in the literature in individuals affected with NF1-related conditions. ClinVar contains an entry for this variant (Variation ID: 824389). Invitae Evidence Modeling of protein sequence and biophysical properties (such as structural, functional, and spatial information, amino acid conservation, physicochemical variation, residue mobility, and thermodynamic stability) indicates that this missense variant is not expected to disrupt NF1 protein function with a negative predictive value of 95%. In summary, the available evidence is currently insufficient to determine the role of this variant in disease. Therefore, it has been classified as a Variant of Uncertain Significance.

Genome-Nilou Lab
Classification: Uncertain significance for Neurofibromatosis, type 1. Last evaluated: 2022-03-15. Review status: criteria provided, single submitter. Criteria: ACMG Guidelines, 2015. Collection method: clinical testing. Allele origin: germline. Affected: no.